The following is an entry in ClinVar:

NM_031471.6(FERMT3):c.419C>T (p.Ser140Phe)

Gene: FERMT3 (FERM domain containing kindlin 3; plus strand). Cytogenetic location: 11q13.1.
Variant type: single nucleotide variant.
Coding change: c.419C>T on transcript NM_031471.6 (MANE Select); coding-DNA position 419, C replaced by T.
Protein change: p.Ser140Phe; replaces serine 140 with phenylalanine.
Molecular consequence: missense variant. On other transcripts: 5 prime UTR variant (2).
Genome position (GRCh38, 1-based): chr11:64,211,076, C>T. VCF-style: chr11-64211076-C-T. GRCh37 (hg19) VCF-style: chr11-63978548-C-T.
Other names: c.419C>T, p.Ser140Phe (NM_001382361.1, NM_001382362.1, NM_001382448.1 and 1 more transcripts); c.-122C>T (NM_001382363.1, NM_001382364.1); short protein forms S140F.
Identifiers: ClinVar variation 1004998 (VCV001004998.8), dbSNP rs1946424644, ClinGen allele CA381081790.
Genomic context (GRCh38, chr11:64,211,076, plus strand): 5'-GGACCTAGTCCCCGCTGAGACCCTAGCTCCCCTCAGGCATCCGGCACCCCGAGGAGCTGT[C>T]CCTGCTCCGGGCTCCTGAGAAGAAGGAGAAGAAGAAGAAAGAGAAGGAGCCAGAGGAAGA-3'
Protein context (NP_113659.3, residues 130-150): LLSIRHPEEL[Ser140Phe]LLRAPEKKEK

ClinVar aggregate classification (germline): Uncertain significance (1 of 4 stars; one submission).

Conditions:
Leukocyte adhesion deficiency 3. Also called: INTEGRIN ACTIVATION DEFICIENCY DISEASE; LEUKOCYTE ADHESION DEFICIENCY 1 VARIANT; Leukocyte adhesion deficiency, type III. Identifiers: Orphanet 2968, Orphanet 99844, MedGen C2748536, MONDO:0013016, OMIM 612840.

Allele frequency attached by ClinVar (database versions not stated): gnomAD exomes below 0.00001.
gnomAD v4.1: 1 of 1,590,988 alleles (0.000063%); highest among the groups gnomAD compares: Non-Finnish European, 0.000086%; no homozygotes.

Submission:

Labcorp Genetics (formerly Invitae), Labcorp
Classification: Uncertain significance for Leukocyte adhesion deficiency 3. Last evaluated: 2020-06-16. Review status: criteria provided, single submitter. Criteria: Invitae Variant Classification Sherloc (09022015). Collection method: clinical testing. Allele origin: germline.
Comment: In summary, the available evidence is currently insufficient to determine the role of this variant in disease. Therefore, it has been classified as a Variant of Uncertain Significance. This sequence change replaces serine with phenylalanine at codon 140 of the FERMT3 protein (p.Ser140Phe). The serine residue is highly conserved and there is a large physicochemical difference between serine and phenylalanine. This variant is not present in population databases (ExAC no frequency). This variant has not been reported in the literature in individuals with FERMT3-related conditions. Algorithms developed to predict the effect of missense changes on protein structure and function are either unavailable or do not agree on the potential impact of this missense change (SIFT: "Deleterious"; PolyPhen-2: "Probably Damaging"; Align-GVGD: "Class C15").